The following is an entry in ClinVar:

ClinVar aggregate classification (germline): Uncertain significance (1 of 4 stars; one submission).

Conditions:
Hereditary nonpolyposis colorectal neoplasms. Identifiers: MedGen C0009405, MeSH D003123.

gnomAD v4.1: 1 of 1,613,890 alleles (0.000062%); highest among the groups gnomAD compares: South Asian, 0.0011%; no homozygotes.

Submission:

Labcorp Genetics (formerly Invitae), Labcorp
Classification: Uncertain significance for Hereditary nonpolyposis colorectal neoplasms. Last evaluated: 2025-03-13. Review status: criteria provided, single submitter. Criteria: Invitae Variant Classification Sherloc (09022015). Collection method: clinical testing. Allele origin: germline.
Comment: This sequence change replaces arginine, which is basic and polar, with proline, which is neutral and non-polar, at codon 1242 of the MSH6 protein (p.Arg1242Pro). This variant is not present in population databases (gnomAD no frequency). This variant has not been reported in the literature in individuals affected with MSH6-related conditions. ClinVar contains an entry for this variant (Variation ID: 962445). Invitae Evidence Modeling of protein sequence and biophysical properties (such as structural, functional, and spatial information, amino acid conservation, physicochemical variation, residue mobility, and thermodynamic stability) has been performed for this missense variant. However, the output from this modeling did not meet the statistical confidence thresholds required to predict the impact of this variant on MSH6 protein function. This variant disrupts the p.Arg1242 amino acid residue in MSH6. Other variant(s) that disrupt this residue have been determined to be pathogenic (PMID: 24763289, 28514183). This suggests that this residue is clinically significant, and that variants that disrupt this residue are likely to be disease-causing. In summary, the available evidence is currently insufficient to determine the role of this variant in disease. Therefore, it has been classified as a Variant of Uncertain Significance.

Literature cited by the submitters: PubMed 24763289; PubMed 28514183.

NM_000179.3(MSH6):c.3725G>C (p.Arg1242Pro)

Gene: MSH6 (mutS homolog 6; plus strand). Cytogenetic location: 2p16.3.
Variant type: single nucleotide variant.
Coding change: c.3725G>C on transcript NM_000179.3 (MANE Select); coding-DNA position 3725, G replaced by C.
Protein change: p.Arg1242Pro; replaces arginine 1242 with proline.
Molecular consequence: missense variant.
Genome position (GRCh38, 1-based): chr2:47,806,282, G>C. VCF-style: chr2-47806282-G-C. GRCh37 (hg19) VCF-style: chr2-48033421-G-C.
Other names: c.3335G>C, p.Arg1112Pro (NM_001281492.2); c.2819G>C, p.Arg940Pro (NM_001281493.2, NM_001281494.2); short protein forms R1112P, R940P, R1242P.
Identifiers: ClinVar variation 962445 (VCV000962445.10), dbSNP rs63750119, ClinGen allele CA346761028.